The following is an entry in ClinVar:

ClinVar aggregate classification (germline): Uncertain significance. Review status: criteria provided, multiple submitters, no conflicts (2 of 4 stars). 2 submissions from 2 submitters: Uncertain significance (2). Last evaluated 2026-07-02.

Conditions:
Wilson disease (WND). Also called: Wilson's disease. Identifiers: Orphanet 905, MedGen C0019202, MONDO:0010200, OMIM 277900. Disease mechanism: loss of function.
Inborn genetic diseases. Identifiers: MedGen C0950123, MeSH D030342.

Submissions (2):

Ambry Genetics
Classification: Uncertain significance for Inborn genetic diseases. Last evaluated: 2026-07-02. Review status: criteria provided, single submitter. Criteria: Ambry Variant Classification Scheme 2023. Collection method: clinical testing. Allele origin: germline.
Comment: The p.S1121G variant (also known as c.3361A>G), located in coding exon 15 of the ATP7B gene, results from an A to G substitution at nucleotide position 3361. The serine at codon 1121 is replaced by glycine, an amino acid with similar properties. This amino acid position is conserved. In addition, this alteration is predicted to be tolerated by in silico analysis. Based on the available evidence, the clinical significance of this variant remains unclear.

Fulgent Genetics
Classification: Uncertain significance for Wilson disease. Last evaluated: 2024-06-19. Review status: criteria provided, single submitter. Criteria: ACMG Guidelines, 2015. Collection method: clinical testing. Allele origin: germline.

NM_000053.4(ATP7B):c.3361A>G (p.Ser1121Gly)

Gene: ATP7B (ATPase copper transporting beta; minus strand). Cytogenetic location: 13q14.3.
Variant type: single nucleotide variant.
Coding change: c.3361A>G on transcript NM_000053.4 (MANE Select); coding-DNA position 3361, A replaced by G.
Protein change: p.Ser1121Gly; replaces serine 1121 with glycine.
Molecular consequence: missense variant.
Genome position (GRCh38, 1-based): chr13:51,942,437, T>C on the plus strand (A>G on the coding strand, the complement: ATP7B is on the minus strand). VCF-style: chr13-51942437-T-C. GRCh37 (hg19) VCF-style: chr13-52516573-T-C.
Other names: c.2740A>G, p.Ser914Gly (NM_001005918.3); c.3028A>G, p.Ser1010Gly (NM_001243182.2); c.3127A>G, p.Ser1043Gly (NM_001330578.2, NM_001406527.1, NM_001406528.1 and 1 more transcripts); c.3109A>G, p.Ser1037Gly (NM_001330579.2, NM_001406531.1, NM_001406532.1); c.3361A>G, p.Ser1121Gly (NM_001406511.1, NM_001406512.1, NM_001406526.1); c.3355A>G, p.Ser1119Gly (NM_001406513.1); c.3328A>G, p.Ser1110Gly (NM_001406514.1); c.3307A>G, p.Ser1103Gly (NM_001406515.1, NM_001406516.1); and 20 more; short protein forms S1005G, S1008G, S1010G, S1011G, S1025G, S1037G, S1060G, S1062G.
Identifiers: ClinVar variation 3576289 (VCV003576289.2).